The following is an entry in ClinVar:

NM_001005273.3(CHD3):c.3880C>T (p.Arg1294Trp)

Gene: CHD3 (chromodomain helicase DNA binding protein 3; plus strand). Cytogenetic location: 17p13.1.
Variant type: single nucleotide variant.
Coding change: c.3880C>T on transcript NM_001005273.3 (MANE Select); coding-DNA position 3880, C replaced by T.
Protein change: p.Arg1294Trp; replaces arginine 1294 with tryptophan.
Molecular consequence: missense variant.
Genome position (GRCh38, 1-based): chr17:7,903,977, C>T. VCF-style: chr17-7903977-C-T. GRCh37 (hg19) VCF-style: chr17-7807295-C-T.
Other names: c.4057C>T, p.Arg1353Trp (NM_001005271.3); c.3880C>T, p.Arg1294Trp (NM_005852.4); short protein forms R1294W, R1353W.
Identifiers: ClinVar variation 2581744 (VCV002581744.2), dbSNP rs2545018983, ClinGen allele CA397943898.

ClinVar aggregate classification (germline): Conflicting classifications of pathogenicity. Review status: criteria provided, conflicting classifications (1 of 4 stars). 2 submissions from 2 submitters: Likely pathogenic (1); Uncertain significance (1). Last evaluated 2024-12-31.

Conditions:
Snijders Blok-Campeau syndrome. Also called: INTELLECTUAL DEVELOPMENTAL DISORDER WITH MACROCEPHALY, SPEECH DELAY, AND DYSMORPHIC FACIES. Identifiers: Orphanet 599082, MedGen C4748701, MONDO:0032600, OMIM 618205.

Submissions (2):

3billion
Classification: Uncertain significance for Snijders Blok-Campeau syndrome. Last evaluated: 2024-12-31. Review status: criteria provided, single submitter. Criteria: ACMG Guidelines, 2015. Collection method: clinical testing. Allele origin: germline. Affected: yes.
Comment: The variant is not observed in the gnomAD v4.1.0 dataset. Predicted Consequence/Location: Missense variant In silico tool predictions suggest damaging effect of the variant on gene or gene product [REVEL: 0.65 (>=0.6, sensitivity 0.68 and specificity 0.92); 3Cnet: 0.85 (>=0.6, sensitivity 0.72 and precision 0.9)]. The same nucleotide change resulting in the same amino acid change has been previously reported to be associated with CHD3-related disorder (ClinVar ID: VCV002581744). However, the evidence of pathogenicity is insufficient at this time. Therefore, this variant is classified as VUS according to the recommendation of ACMG/AMP guideline.

GeneDx
Classification: Likely pathogenic. Last evaluated: 2023-09-26. Review status: criteria provided, single submitter. Criteria: GeneDx Variant Classification Process June 2021. Collection method: clinical testing. Allele origin: germline. Affected: yes.
Comment: Not observed at significant frequency in large population cohorts (gnomAD); In silico analysis supports that this missense variant has a deleterious effect on protein structure/function; Has not been previously published as pathogenic or benign to our knowledge